The following is an entry in ClinVar:

NM_006015.6(ARID1A):c.1350+1G>T

Gene: ARID1A (AT-rich interaction domain 1A; plus strand). Cytogenetic location: 1p36.11.
Variant type: single nucleotide variant.
Coding change: c.1350+1G>T on transcript NM_006015.6 (MANE Select); the canonical splice donor site of the intron after coding-DNA position 1350, G replaced by T.
Molecular consequence: splice donor variant.
Genome position (GRCh38, 1-based): chr1:26,729,864, G>T. VCF-style: chr1-26729864-G-T. GRCh37 (hg19) VCF-style: chr1-27056355-G-T.
Other names: c.1350+1G>T (NM_139135.4).
Identifiers: ClinVar variation 1805087 (VCV001805087.1), dbSNP rs2124785843, ClinGen allele CA339267859.

ClinVar aggregate classification (germline): Uncertain significance (1 of 4 stars; one submission).

Conditions:
Intellectual disability, autosomal dominant 14 (CSS2). Also called: COFFIN-SIRIS SYNDROME 2. Identifiers: Orphanet 1465, MedGen C3553247, MONDO:0013819, OMIM 614607.

Submission:

Victorian Clinical Genetics Services, Murdoch Childrens Research Institute
Classification: Uncertain significance for Intellectual disability, autosomal dominant 14. Last evaluated: 2022-02-02. Review status: criteria provided, single submitter. Criteria: ACMG Guidelines, 2015. Collection method: clinical testing. Allele origin: germline. Inheritance: Autosomal dominant inheritance. Affected: yes.
Comment: Based on the classification scheme VCGS_Germline_v1.3.4, this variant is classified as VUS-3A. Following criteria are met: 0102 - Loss of function is a known mechanism of disease in this gene and is associated with Coffin-Siris syndrome 2 (MIM#614607). (I) 0107 - This gene is associated with autosomal dominant disease. (I) 0211 - Canonical splice site variant without proven consequence on splicing (no functional evidence available). (SP) 0251 - This variant is heterozygous. (I) 0301 - Variant is absent from gnomAD (both v2 and v3). (SP) 0505 - Abnormal splicing is predicted by in silico tools and affected nucleotide is highly conserved. (SP) 0705 - No comparable canonical splice site variants have previous evidence for pathogenicity. (I) 0807 - This variant has no previous evidence of pathogenicity. (I) 0905 - No published segregation evidence has been identified for this variant. (I) 1007 - No published functional evidence has been identified for this variant. (I) 1208 - Inheritance information for this variant is not currently available in this individual. (I) Legend: (SP) - Supporting pathogenic, (I) - Information, (SB) - Supporting benign